The following is an entry in ClinVar:

NM_015001.3(SPEN):c.2991G>C (p.Lys997Asn)

Gene: SPEN (spen family transcriptional repressor; plus strand). Cytogenetic location: 1p36.13.
Variant type: single nucleotide variant.
Coding change: c.2991G>C on transcript NM_015001.3 (MANE Select); coding-DNA position 2991, G replaced by C.
Protein change: p.Lys997Asn; replaces lysine 997 with asparagine.
Molecular consequence: missense variant.
Genome position (GRCh38, 1-based): chr1:15,929,231, G>C. VCF-style: chr1-15929231-G-C. GRCh37 (hg19) VCF-style: chr1-16255726-G-C.
Other names: short protein forms K997N.
Identifiers: ClinVar variation 3777650 (VCV003777650.1).
Genomic context (GRCh38, chr1:15,929,231, plus strand): 5'-TCTGGAGAAGCTGGAAGCCAGGAAAAGGCGCTTTGCAGATTCCAATTTAAAAGCAGAAAA[G>C]CAAAAACCAGAGGTCAAGAAAAGCAGTCCAGAGATGGAGGATGCTCGCGTGCTTTCAAAA-3'
Protein context (NP_055816.2, residues 987-1007): RFADSNLKAE[Lys997Asn]QKPEVKKSSP

ClinVar aggregate classification (germline): Uncertain significance (1 of 4 stars; one submission).

Submission:

GeneDx
Classification: Uncertain significance. Last evaluated: 2024-10-13. Review status: criteria provided, single submitter. Criteria: GeneDx Variant Classification Process June 2021. Collection method: clinical testing. Allele origin: germline. Affected: yes.
Comment: Not observed at significant frequency in large population cohorts (gnomAD); In silico analysis indicates that this missense variant does not alter protein structure/function; Has not been previously published as pathogenic or benign to our knowledge